The following is an entry in ClinVar:

ClinVar aggregate classification (germline): Uncertain significance (1 of 4 stars; one submission).

Allele frequency attached by ClinVar (database versions not stated): gnomAD exomes below 0.00001.

Submission:

Labcorp Genetics (formerly Invitae), Labcorp
Classification: Uncertain significance. Last evaluated: 2024-11-18. Review status: criteria provided, single submitter. Criteria: Invitae Variant Classification Sherloc (09022015). Collection method: clinical testing. Allele origin: germline.
Comment: This sequence change replaces glycine, which is neutral and non-polar, with valine, which is neutral and non-polar, at codon 1117 of the SPEG protein (p.Gly1117Val). This variant is not present in population databases (gnomAD no frequency). This variant has not been reported in the literature in individuals affected with SPEG-related conditions. ClinVar contains an entry for this variant (Variation ID: 1509621). An algorithm developed to predict the effect of missense changes on protein structure and function (PolyPhen-2) suggests that this variant is likely to be disruptive. In summary, the available evidence is currently insufficient to determine the role of this variant in disease. Therefore, it has been classified as a Variant of Uncertain Significance.

NM_005876.5(SPEG):c.3350G>T (p.Gly1117Val)

Gene: SPEG (striated muscle enriched protein kinase; plus strand). Cytogenetic location: 2q35.
Variant type: single nucleotide variant.
Coding change: c.3350G>T on transcript NM_005876.5 (MANE Select); coding-DNA position 3350, G replaced by T.
Protein change: p.Gly1117Val; replaces glycine 1117 with valine.
Molecular consequence: missense variant.
Genome position (GRCh38, 1-based): chr2:219,468,907, G>T. VCF-style: chr2-219468907-G-T. GRCh37 (hg19) VCF-style: chr2-220333629-G-T.
Other names: short protein forms G1117V.
Identifiers: ClinVar variation 1509621 (VCV001509621.6), dbSNP rs2125465420, ClinGen allele CA350746728.
Genomic context (GRCh38, chr2:219,468,907, plus strand): 5'-TCCTTTCTGCAGGCTGCCCCATGGAGGAGAGTGAGAACTTGCGGCTGCGGCAGGACGGGG[G>T]TCTGCACTCACTGCACATTGCCCATGTGGGCAGCGAGGACGAGGGGCTCTATGCGGTCAG-3'
Protein context (NP_005867.3, residues 1107-1127): SENLRLRQDG[Gly1117Val]LHSLHIAHVG